The following is an entry in ClinVar:

ClinVar aggregate classification (germline): Likely benign (1 of 4 stars; one submission).

Allele frequency attached by ClinVar (database versions not stated): gnomAD exomes below 0.00001.

Submission:

GeneDx
Classification: Likely benign. Last evaluated: 2016-07-26. Review status: criteria provided, single submitter. Criteria: GeneDx Variant Classification (06012015). Collection method: clinical testing. Allele origin: germline. Affected: yes.
Comment: This variant is considered likely benign or benign based on one or more of the following criteria: it is a conservative change, it occurs at a poorly conserved position in the protein, it is predicted to be benign by multiple in silico algorithms, and/or has population frequency not consistent with disease.

NM_003859.1(DPM1):c.-42A>G

Genes: DPM1 (dolichyl-phosphate mannosyltransferase subunit 1, catalytic; minus strand), LOC130066166 (ATAC-STARR-seq lymphoblastoid active region 18108; plus strand). Cytogenetic location: 20q13.13.
Variant type: single nucleotide variant.
Coding change: c.-42A>G on transcript NM_003859.1; 42 bases upstream of the start codon, A replaced by G.
Genome position (GRCh38, 1-based): chr20:50,958,565, T>C on the plus strand (A>G on the coding strand, the complement: DPM1 is on the minus strand). VCF-style: chr20-50958565-T-C. GRCh37 (hg19) VCF-style: chr20-49575102-T-C.
Identifiers: ClinVar variation 387558 (VCV000387558.3), dbSNP rs1057522822, ClinGen allele CA16608003.